The following is an entry in ClinVar:

NM_020458.4(TTC7A):c.995G>A (p.Gly332Glu)

Gene: TTC7A (tetratricopeptide repeat domain 7A; plus strand). Cytogenetic location: 2p21.
Variant type: single nucleotide variant.
Coding change: c.995G>A on transcript NM_020458.4 (MANE Select); coding-DNA position 995, G replaced by A.
Protein change: p.Gly332Glu; replaces glycine 332 with glutamic acid.
Molecular consequence: missense variant. On other transcripts: intron variant (1).
Genome position (GRCh38, 1-based): chr2:46,994,508, G>A. VCF-style: chr2-46994508-G-A. GRCh37 (hg19) VCF-style: chr2-47221647-G-A.
Other names: c.995G>A (NM_020458.2); c.995G>A, p.Gly332Glu (NM_001288951.2); c.893G>A, p.Gly298Glu (NM_001288953.2); c.-61-628G>A (NM_001288955.2); short protein forms G298E, G332E.
Identifiers: ClinVar variation 1446683 (VCV001446683.7), dbSNP rs1171967462, ClinGen allele CA346713629.

ClinVar aggregate classification (germline): Uncertain significance. Review status: criteria provided, multiple submitters, no conflicts (2 of 4 stars). 3 submissions from 3 submitters: Uncertain significance (3). Last evaluated 2023-02-22.

Conditions:
Multiple gastrointestinal atresias. Also called: Multiple intestinal atresia; FAMILIAL INTESTINAL POLYATRESIA SYNDROME. Identifiers: Orphanet 2300, MedGen C0220744, MONDO:0009465.
Inborn genetic diseases. Identifiers: MedGen C0950123, MeSH D030342.

Allele frequency attached by ClinVar (database versions not stated): gnomAD exomes below 0.00001; gnomAD 0.00001; TOPMed 0.00002.
gnomAD v4.1: 2 of 1,613,762 alleles (0.00012%); highest among the groups gnomAD compares: Admixed American, 0.0033%; no homozygotes.

Submissions (3):

Ambry Genetics
Classification: Uncertain significance for Inborn genetic diseases. Last evaluated: 2023-02-22. Review status: criteria provided, single submitter. Criteria: Ambry Variant Classification Scheme 2023. Collection method: clinical testing. Allele origin: germline.

Labcorp Genetics (formerly Invitae), Labcorp
Classification: Uncertain significance for Multiple gastrointestinal atresias. Last evaluated: 2021-09-02. Review status: criteria provided, single submitter. Criteria: Invitae Variant Classification Sherloc (09022015). Collection method: clinical testing. Allele origin: germline.
Comment: This sequence change replaces glycine with glutamic acid at codon 332 of the TTC7A protein (p.Gly332Glu). The glycine residue is weakly conserved and there is a moderate physicochemical difference between glycine and glutamic acid. This variant is not present in population databases (ExAC no frequency). This variant has not been reported in the literature in individuals affected with TTC7A-related conditions. Algorithms developed to predict the effect of missense changes on protein structure and function (SIFT, PolyPhen-2, Align-GVGD) all suggest that this variant is likely to be tolerated. In summary, the available evidence is currently insufficient to determine the role of this variant in disease. Therefore, it has been classified as a Variant of Uncertain Significance.

Blueprint Genetics
Classification: Uncertain significance. Last evaluated: 2018-11-02. Review status: criteria provided, single submitter. Criteria: ACMG Guidelines, 2015. Collection method: clinical testing. Allele origin: germline.